The following is an entry in ClinVar:

ClinVar aggregate classification (germline): Uncertain significance (1 of 4 stars; one submission).

Conditions:
Ullrich congenital muscular dystrophy 2 (UCMD2). Identifiers: Orphanet 75840, MedGen C4225314, MONDO:0014654, OMIM 616470.
Bethlem myopathy 2 (BTHLM2). Identifiers: Orphanet 536516, Orphanet 610, MedGen C4225313, MONDO:0034022, OMIM 616471.

Submission:

Labcorp Genetics (formerly Invitae), Labcorp
Classification: Uncertain significance for Bethlem myopathy 2; Ullrich congenital muscular dystrophy 2. Last evaluated: 2023-08-03. Review status: criteria provided, single submitter. Criteria: Invitae Variant Classification Sherloc (09022015). Collection method: clinical testing. Allele origin: germline.
Comment: ClinVar contains an entry for this variant (Variation ID: 849428). This variant has not been reported in the literature in individuals affected with COL12A1-related conditions. This variant is not present in population databases (gnomAD no frequency). This sequence change replaces serine, which is neutral and polar, with phenylalanine, which is neutral and non-polar, at codon 996 of the COL12A1 protein (p.Ser996Phe). Advanced modeling of protein sequence and biophysical properties (such as structural, functional, and spatial information, amino acid conservation, physicochemical variation, residue mobility, and thermodynamic stability) performed at Invitae indicates that this missense variant is not expected to disrupt COL12A1 protein function. In summary, the available evidence is currently insufficient to determine the role of this variant in disease. Therefore, it has been classified as a Variant of Uncertain Significance.

NM_004370.6(COL12A1):c.2987C>T (p.Ser996Phe)

Gene: COL12A1 (collagen type XII alpha 1 chain; minus strand). Cytogenetic location: 6q13.
Variant type: single nucleotide variant.
Coding change: c.2987C>T on transcript NM_004370.6 (MANE Select); coding-DNA position 2987, C replaced by T.
Protein change: p.Ser996Phe; replaces serine 996 with phenylalanine.
Molecular consequence: missense variant. On other transcripts: intron variant (1).
Genome position (GRCh38, 1-based): chr6:75,156,520, G>A on the plus strand (C>T on the coding strand, the complement: COL12A1 is on the minus strand). VCF-style: chr6-75156520-G-A. GRCh37 (hg19) VCF-style: chr6-75866236-G-A.
Other names: c.74-4038C>T (NM_080645.3); short protein forms S996F.
Identifiers: ClinVar variation 849428 (VCV000849428.10), dbSNP rs1582147328, ClinGen allele CA364755100.
Genomic context (GRCh38, chr6:75,156,520, plus strand): 5'-CATGTAACTCTCATTGTGTTTTCTGTTTCTTCATCTACTTTCAGGGTTTTGGAATCTTGA[G>A]ATACTGGGAGATAAAAGGAAGATTAAACTGTATACCATGTTGAAAAAAAATGTATGTCCA-3'
Protein context (NP_004361.3, residues 986-1006): PLTGDATTEL[Ser996Phe]QDSKTLKVDE